The following is an entry in ClinVar:

NM_012233.3(RAB3GAP1):c.362G>A (p.Trp121Ter)

Gene: RAB3GAP1 (RAB3 GTPase activating protein catalytic subunit 1; plus strand). Cytogenetic location: 2q21.3.
Variant type: single nucleotide variant.
Coding change: c.362G>A on transcript NM_012233.3 (MANE Select); coding-DNA position 362, G replaced by A.
Protein change: p.Trp121Ter; replaces tryptophan 121 with a stop codon.
Molecular consequence: nonsense.
Genome position (GRCh38, 1-based): chr2:135,093,693, G>A. VCF-style: chr2-135093693-G-A. GRCh37 (hg19) VCF-style: chr2-135851263-G-A.
Other names: c.362G>A, p.Trp121Ter (NM_001172435.2); short protein forms W121*.
Identifiers: ClinVar variation 5006071 (VCV005006071.2).

ClinVar aggregate classification (germline): Likely pathogenic (1 of 4 stars; one submission).

Conditions:
Warburg micro syndrome 1 (WARBM1). Identifiers: Orphanet 2510, MedGen C1838625, MONDO:0010822, OMIM 600118.
Martsolf syndrome 2. Identifiers: MedGen C5543626, MONDO:0030376, OMIM 619420.

Submission:

Juno Genomics, Hangzhou Juno Genomics, Inc
Classification: Likely pathogenic for Martsolf syndrome 2; Warburg micro syndrome 1. Review status: criteria provided, single submitter. Criteria: ACMG Guidelines, 2015. Collection method: clinical testing. Allele origin: germline.
Comment: Null variant in a gene where loss of function (LOF) is a known mechanism of disease.;Absent from controls (or at extremely low frequency if recessive) in Genome Aggregation Database.